The following is an entry in ClinVar:

NM_000179.3(MSH6):c.2054G>A (p.Gly685Asp)

Gene: MSH6 (mutS homolog 6; plus strand). Cytogenetic location: 2p16.3.
Variant type: single nucleotide variant.
Coding change: c.2054G>A on transcript NM_000179.3 (MANE Select); coding-DNA position 2054, G replaced by A.
Protein change: p.Gly685Asp; replaces glycine 685 with aspartic acid.
Molecular consequence: missense variant.
Genome position (GRCh38, 1-based): chr2:47,800,037, G>A. VCF-style: chr2-47800037-G-A. GRCh37 (hg19) VCF-style: chr2-48027176-G-A.
Other names: c.1757G>A, p.Gly586Asp (NM_001406825.1, NM_001406828.1, NM_001406827.1 and 10 more transcripts); c.1886G>A, p.Gly629Asp (NM_001406826.1); c.1148G>A, p.Gly383Asp (NM_001406829.1, NM_001406811.1, NM_001406812.1 and 6 more transcripts); c.1529G>A, p.Gly510Asp (NM_001406799.1, NM_001406806.1, NM_001406807.1); c.2054G>A, p.Gly685Asp (NM_001406800.1, NM_001406803.1, NM_001406808.1 and 3 more transcripts); c.2150G>A, p.Gly717Asp (NM_001406802.1, NM_001406795.1); c.1976G>A, p.Gly659Asp (NM_001406804.1); c.2060G>A, p.Gly687Asp (NM_001406813.1); and 1 more; short protein forms G685D, G383D, G510D, G586D, G629D, G659D, G555D, G717D.
Identifiers: ClinVar variation 1785111 (VCV001785111.7), dbSNP rs63750358, ClinGen allele CA346750765.

ClinVar aggregate classification (germline): Conflicting classifications of pathogenicity. Review status: criteria provided, conflicting classifications (1 of 4 stars). 2 submissions from 2 submitters: Likely pathogenic (1); Uncertain significance (1). Last evaluated 2023-06-09.

Conditions:
Hereditary nonpolyposis colorectal neoplasms. Identifiers: MedGen C0009405, MeSH D003123.
Hereditary cancer-predisposing syndrome. Also called: Neoplastic Syndromes, Hereditary; Tumor predisposition; Hereditary Cancer Syndrome; Hereditary neoplastic syndrome. Identifiers: Orphanet 140162, MedGen C0027672, MeSH D009386, MONDO:0015356.

Submissions (2):

Labcorp Genetics (formerly Invitae), Labcorp
Classification: Uncertain significance for Hereditary nonpolyposis colorectal neoplasms. Last evaluated: 2023-06-09. Review status: criteria provided, single submitter. Criteria: Invitae Variant Classification Sherloc (09022015). Collection method: clinical testing. Allele origin: germline.
Comment: In summary, the available evidence is currently insufficient to determine the role of this variant in disease. Therefore, it has been classified as a Variant of Uncertain Significance. Advanced modeling of protein sequence and biophysical properties (such as structural, functional, and spatial information, amino acid conservation, physicochemical variation, residue mobility, and thermodynamic stability) has been performed at Invitae for this missense variant, however the output from this modeling did not meet the statistical confidence thresholds required to predict the impact of this variant on MSH6 protein function. ClinVar contains an entry for this variant (Variation ID: 1785111). This variant has not been reported in the literature in individuals affected with MSH6-related conditions. This variant is not present in population databases (gnomAD no frequency). This sequence change replaces glycine, which is neutral and non-polar, with aspartic acid, which is acidic and polar, at codon 685 of the MSH6 protein (p.Gly685Asp).

Ambry Genetics
Classification: Likely pathogenic for Hereditary cancer-predisposing syndrome. Last evaluated: 2018-12-27. Review status: criteria provided, single submitter. Criteria: Ambry Variant Classification Scheme 2023. Collection method: clinical testing. Allele origin: germline.
Comment: The p.G685D variant (also known as c.2054G>A), located in coding exon 4 of the MSH6 gene, results from a G to A substitution at nucleotide position 2054. The glycine at codon 685 is replaced by aspartic acid, an amino acid with similar properties. This alteration has been observed in at least one individual who has a personal or family history that is consistent with MSH6-associated disease (Ambry internal data). Based on internal structural assessment, this alteration significantly destabilizes the connector domain of the MSH6 protein (Warren JJ et al. Mol. Cell, 2007 May;26:579-92). This amino acid position is highly conserved in available vertebrate species. In addition, this alteration is predicted to be deleterious by in silico analysis. In addition, the CoDP in silico tool predicts this alteration to likely impair molecular function, with a score of 0.998 (Terui H et al. J. Biomed. Sci. 2013;20:25). Based on the majority of available evidence to date, this variant is likely to be pathogenic.

Literature cited by the submitters: PubMed 17531815 (cited by Ambry Genetics).